The following is an entry in ClinVar:

NM_001369.3(DNAH5):c.4960C>T (p.Arg1654Trp)

Gene: DNAH5 (dynein axonemal heavy chain 5; minus strand). Cytogenetic location: 5p15.2.
Variant type: single nucleotide variant.
Coding change: c.4960C>T on transcript NM_001369.3 (MANE Select); coding-DNA position 4960, C replaced by T.
Protein change: p.Arg1654Trp; replaces arginine 1654 with tryptophan.
Molecular consequence: missense variant.
Genome position (GRCh38, 1-based): chr5:13,850,806, G>A on the plus strand (C>T on the coding strand, the complement: DNAH5 is on the minus strand). VCF-style: chr5-13850806-G-A. GRCh37 (hg19) VCF-style: chr5-13850915-G-A.
Other names: short protein forms R1654W.
Identifiers: ClinVar variation 1744412 (VCV001744412.8), dbSNP rs139364454, ClinGen allele CA3203824.
Genomic context (GRCh38, chr5:13,850,806, plus strand): 5'-TGGGCACTTCATGTGCCCGAGTCATGATCTTCACCCAAGATTTATCTATGTTAGAAAACC[G>A]CTTGGCTTCCTATGAGAACAAGGTAACAAAGCACACTTAGATTTGGACACATCTGTGATC-3'
Protein context (NP_001360.1, residues 1644-1664): IAKQLPKEAK[Arg1654Trp]FSNIDKSWVK

ClinVar aggregate classification (germline): Conflicting classifications of pathogenicity. Review status: criteria provided, conflicting classifications (1 of 4 stars). 3 submissions from 3 submitters: Uncertain significance (2); Likely benign (1). Last evaluated 2025-04-23.

Conditions:
Primary ciliary dyskinesia. Also called: Ciliary dyskinesia. Identifiers: Orphanet 244, MedGen C0008780, MONDO:0016575, HP:0012265.
Primary ciliary dyskinesia 3. Identifiers: Orphanet 244, MedGen C1837618, MONDO:0012085, OMIM 608644.

Allele frequency attached by ClinVar (database versions not stated): gnomAD 0.00003; TOPMed 0.00004; ESP Exome Variant Server 0.00008.
gnomAD v4.1: 24 of 1,614,078 alleles (0.0015%); highest among the groups gnomAD compares: African/African-American, 0.011%; no homozygotes.

Submissions (3):

Labcorp Genetics (formerly Invitae), Labcorp
Classification: Likely benign for Primary ciliary dyskinesia. Last evaluated: 2025-04-23. Review status: criteria provided, single submitter. Criteria: Invitae Variant Classification Sherloc (09022015). Collection method: clinical testing. Allele origin: germline.

Ambry Genetics
Classification: Uncertain significance for Primary ciliary dyskinesia. Last evaluated: 2021-09-09. Review status: criteria provided, single submitter. Criteria: Ambry Variant Classification Scheme 2023. Collection method: clinical testing. Allele origin: germline.
Comment: The p.R1654W variant (also known as c.4960C>T), located in coding exon 31 of the DNAH5 gene, results from a C to T substitution at nucleotide position 4960. The arginine at codon 1654 is replaced by tryptophan, an amino acid with dissimilar properties. This amino acid position is conserved. In addition, the in silico prediction for this alteration is inconclusive. Since supporting evidence is limited at this time, the clinical significance of this alteration remains unclear.

ARUP Laboratories, Molecular Genetics and Genomics, ARUP Laboratories
Classification: Uncertain significance for Primary ciliary dyskinesia 3. Review status: criteria provided, single submitter. Criteria: ARUP Molecular Germline Variant Investigation Process 2024. Collection method: clinical testing. Allele origin: germline.